The following is an entry in ClinVar:

ClinVar aggregate classification (germline): Likely benign. Review status: criteria provided, multiple submitters, no conflicts (2 of 4 stars). 5 submissions from 5 submitters: Likely benign (4). 1 of the submissions does not count toward it. Last evaluated 2025-01-27.

Conditions:
RIT1-related disorder. Also called: RIT1-related condition.
Cardiovascular phenotype. Identifiers: MedGen CN230736.
Noonan syndrome 8 (NS8). Identifiers: Orphanet 648, MedGen C3809233, MONDO:0014143, OMIM 615355.

Allele frequency attached by ClinVar (database versions not stated): TOPMed 0.00001; ESP Exome Variant Server 0.00008.
gnomAD v4.1: 4 of 1,613,924 alleles (0.00025%); highest among the groups gnomAD compares: Non-Finnish European, 0.00034%; no homozygotes.

Submissions (5):

Labcorp Genetics (formerly Invitae), Labcorp
Classification: Likely benign for Noonan syndrome 8. Last evaluated: 2025-01-27. Review status: criteria provided, single submitter. Criteria: Invitae Variant Classification Sherloc (09022015). Collection method: clinical testing. Allele origin: germline.

Ambry Genetics
Classification: Likely benign for Cardiovascular phenotype. Last evaluated: 2024-10-28. Review status: criteria provided, single submitter. Criteria: Ambry Variant Classification Scheme 2023. Collection method: clinical testing. Allele origin: germline.

Blueprint Genetics
Classification: Likely benign. Last evaluated: 2020-03-23. Review status: criteria provided, single submitter. Criteria: ACMG Guidelines, 2015. Collection method: clinical testing. Allele origin: germline.

GeneDx
Classification: Likely benign. Last evaluated: 2018-05-29. Review status: criteria provided, single submitter. Criteria: GeneDx Variant Classification (06012015). Collection method: clinical testing. Allele origin: germline. Affected: yes.
Comment: This variant is considered likely benign or benign based on one or more of the following criteria: it is a conservative change, it occurs at a poorly conserved position in the protein, it is predicted to be benign by multiple in silico algorithms, and/or has population frequency not consistent with disease.

PreventionGenetics, part of Exact Sciences
Classification: Likely benign for RIT1-related condition. Last evaluated: 2024-03-22. Review status: no assertion criteria provided. Collection method: clinical testing. Allele origin: germline. Not counted in ClinVar's aggregate classification.
Comment: This variant is classified as likely benign based on ACMG/AMP sequence variant interpretation guidelines (Richards et al. 2015 PMID: 25741868, with internal and published modifications).

NM_006912.6(RIT1):c.309G>C (p.Thr103=)

Gene: RIT1 (Ras like without CAAX 1; minus strand). Cytogenetic location: 1q22.
Variant type: single nucleotide variant.
Coding change: c.309G>C on transcript NM_006912.6 (MANE Select); coding-DNA position 309, G replaced by C.
Protein change: p.Thr103=; no amino-acid change (threonine 103 retained).
Molecular consequence: synonymous variant.
Genome position (GRCh38, 1-based): chr1:155,904,431, C>G on the plus strand (G>C on the coding strand, the complement: RIT1 is on the minus strand). VCF-style: chr1-155904431-C-G. GRCh37 (hg19) VCF-style: chr1-155874222-C-G.
Other names: c.360G>C (NM_001256821.1); c.309G>C (NM_006912.4); c.309G>C, p.Thr103= (LRG_1372t1); c.201G>C, p.Thr67= (NM_001256820.2); c.360G>C, p.Thr120= (NM_001256821.2).
Identifiers: ClinVar variation 561850 (VCV000561850.6), dbSNP rs370396152, ClinGen allele CA30984418.